The following is an entry in ClinVar:

ClinVar aggregate classification (germline): Uncertain significance (1 of 4 stars; one submission).

gnomAD v4.1: 4 of 1,553,216 alleles (0.00026%); highest among the groups gnomAD compares: Non-Finnish European, 0.00035%; no homozygotes.

Submission:

Labcorp Genetics (formerly Invitae), Labcorp
Classification: Uncertain significance. Last evaluated: 2022-08-31. Review status: criteria provided, single submitter. Criteria: Invitae Variant Classification Sherloc (09022015). Collection method: clinical testing. Allele origin: germline.
Comment: This sequence change replaces arginine, which is basic and polar, with glutamine, which is neutral and polar, at codon 20 of the COL7A1 protein (p.Arg20Gln). This variant is not present in population databases (gnomAD no frequency). This variant has not been reported in the literature in individuals affected with COL7A1-related conditions. Advanced modeling of protein sequence and biophysical properties (such as structural, functional, and spatial information, amino acid conservation, physicochemical variation, residue mobility, and thermodynamic stability) performed at Invitae indicates that this missense variant is not expected to disrupt COL7A1 protein function. In summary, the available evidence is currently insufficient to determine the role of this variant in disease. Therefore, it has been classified as a Variant of Uncertain Significance.

NM_000094.4(COL7A1):c.59G>A (p.Arg20Gln)

Gene: COL7A1 (collagen type VII alpha 1 chain; minus strand). Cytogenetic location: 3p21.31.
Variant type: single nucleotide variant.
Coding change: c.59G>A on transcript NM_000094.4 (MANE Select); coding-DNA position 59, G replaced by A.
Protein change: p.Arg20Gln; replaces arginine 20 with glutamine.
Molecular consequence: missense variant.
Genome position (GRCh38, 1-based): chr3:48,595,101, C>T on the plus strand (G>A on the coding strand, the complement: COL7A1 is on the minus strand). VCF-style: chr3-48595101-C-T. GRCh37 (hg19) VCF-style: chr3-48632534-C-T.
Other names: short protein forms R20Q.
Identifiers: ClinVar variation 1917635 (VCV001917635.2), dbSNP rs755340663, ClinGen allele CA352750329.